The following is an entry in ClinVar:

NM_000321.3(RB1):c.2152del (p.Asp718fs)

Gene: RB1 (RB transcriptional corepressor 1; plus strand). Cytogenetic location: 13q14.2.
Variant type: Deletion.
Coding change: c.2152del on transcript NM_000321.3 (MANE Select); coding-DNA position 2152, one base deleted (G; older notation c.2152delG).
Protein change: p.Asp718fs; shifts the reading frame from aspartic acid 718.
Molecular consequence: frameshift variant.
Genome position (GRCh38, 1-based): chr13:48,463,776, G deleted. VCF-style (leftmost placement, unchanged base first): chr13-48463775-AG-A. GRCh37 (hg19) VCF-style: chr13-49037911-AG-A.
Other names: c.2152delG, p.Asp718Thrfs (NM_001407165.1); short protein forms D718fs.
Identifiers: ClinVar variation 2125312 (VCV002125312.4), dbSNP rs2542373636, ClinGen allele CA2580087565.

ClinVar aggregate classification (germline): Pathogenic (1 of 4 stars; one submission).

Conditions:
Retinoblastoma (RB1). Also called: RETINOBLASTOMA, SOMATIC. Identifiers: Orphanet 790, MedGen C0035335, MeSH D012175, MONDO:0008380, OMIM 180200, HP:0009919. Disease mechanism: loss of function. Inheritance: Both sporadic and heritable forms are tested..

Submission:

Labcorp Genetics (formerly Invitae), Labcorp
Classification: Pathogenic for Retinoblastoma. Last evaluated: 2022-04-12. Review status: criteria provided, single submitter. Criteria: Invitae Variant Classification Sherloc (09022015). Collection method: clinical testing. Allele origin: germline.
Comment: For these reasons, this variant has been classified as Pathogenic. This variant has not been reported in the literature in individuals affected with RB1-related conditions. This variant is not present in population databases (gnomAD no frequency). This sequence change creates a premature translational stop signal (p.Asp718Thrfs*8) in the RB1 gene. It is expected to result in an absent or disrupted protein product. Loss-of-function variants in RB1 are known to be pathogenic (PMID: 17096365).

Literature cited by the submitters: PubMed 17096365.